The following is an entry in ClinVar:

ClinVar aggregate classification (germline): Uncertain significance. Review status: criteria provided, multiple submitters, no conflicts (2 of 4 stars). 2 submissions from 2 submitters: Uncertain significance (2). Last evaluated 2023-09-16.

Conditions:
Hereditary cancer-predisposing syndrome. Also called: Neoplastic Syndromes, Hereditary; Tumor predisposition; Hereditary neoplastic syndrome; Hereditary Cancer Syndrome. Identifiers: Orphanet 140162, MedGen C0027672, MeSH D009386, MONDO:0015356.
Bloom syndrome (BLM). Also called: Bloom-Torre-Machacek syndrome. Identifiers: Orphanet 125, MedGen C0005859, MONDO:0008876, OMIM 210900.

gnomAD v4.1: 2 of 1,614,112 alleles (0.00012%); highest among the groups gnomAD compares: Non-Finnish European, 0.00017%; no homozygotes.

Submissions (2):

Ambry Genetics
Classification: Uncertain significance for Hereditary cancer-predisposing syndrome. Last evaluated: 2023-09-16. Review status: criteria provided, single submitter. Criteria: Ambry Variant Classification Scheme 2023. Collection method: clinical testing. Allele origin: germline.
Comment: The p.T903N variant (also known as c.2708C>A), located in coding exon 13 of the BLM gene, results from a C to A substitution at nucleotide position 2708. The threonine at codon 903 is replaced by asparagine, an amino acid with similar properties. This amino acid position is conserved. In addition, this alteration is predicted to be tolerated by in silico analysis. Since supporting evidence is limited at this time, the clinical significance of this alteration remains unclear.

Labcorp Genetics (formerly Invitae), Labcorp
Classification: Uncertain significance for Bloom syndrome. Last evaluated: 2023-03-10. Review status: criteria provided, single submitter. Criteria: Invitae Variant Classification Sherloc (09022015). Collection method: clinical testing. Allele origin: germline.
Comment: This sequence change replaces threonine, which is neutral and polar, with asparagine, which is neutral and polar, at codon 903 of the BLM protein (p.Thr903Asn). This variant is not present in population databases (gnomAD no frequency). This variant has not been reported in the literature in individuals affected with BLM-related conditions. ClinVar contains an entry for this variant (Variation ID: 1388763). Advanced modeling of protein sequence and biophysical properties (such as structural, functional, and spatial information, amino acid conservation, physicochemical variation, residue mobility, and thermodynamic stability) performed at Invitae indicates that this missense variant is not expected to disrupt BLM protein function. In summary, the available evidence is currently insufficient to determine the role of this variant in disease. Therefore, it has been classified as a Variant of Uncertain Significance.

NM_000057.4(BLM):c.2708C>A (p.Thr903Asn)

Gene: BLM (BLM RecQ like helicase; plus strand). Cytogenetic location: 15q26.1.
Variant type: single nucleotide variant.
Coding change: c.2708C>A on transcript NM_000057.4 (MANE Select); coding-DNA position 2708, C replaced by A.
Protein change: p.Thr903Asn; replaces threonine 903 with asparagine.
Molecular consequence: missense variant.
Genome position (GRCh38, 1-based): chr15:90,784,966, C>A. VCF-style: chr15-90784966-C-A. GRCh37 (hg19) VCF-style: chr15-91328196-C-A.
Other names: c.2708C>A, p.Thr903Asn (NM_001287246.2, NM_001287247.2); c.1583C>A, p.Thr528Asn (NM_001287248.2); c.2708C>A (NM_000057.2); short protein forms T528N, T903N.
Identifiers: ClinVar variation 1388763 (VCV001388763.7), dbSNP rs777584683, ClinGen allele CA393845941.